The following is an entry in ClinVar:

NM_031935.3(HMCN1):c.11507A>G (p.Asn3836Ser)

Gene: HMCN1 (hemicentin 1; plus strand). Cytogenetic location: 1q31.1.
Variant type: single nucleotide variant.
Coding change: c.11507A>G on transcript NM_031935.3 (MANE Select); coding-DNA position 11507, A replaced by G.
Protein change: p.Asn3836Ser; replaces asparagine 3836 with serine.
Molecular consequence: missense variant.
Genome position (GRCh38, 1-based): chr1:186,115,360, A>G. VCF-style: chr1-186115360-A-G. GRCh37 (hg19) VCF-style: chr1-186084492-A-G.
Other names: c.11507A>G (NM_031935.2); short protein forms N3836S.
Identifiers: ClinVar variation 1473851 (VCV001473851.7), dbSNP rs767569555, ClinGen allele CA1294069.

ClinVar aggregate classification (germline): Uncertain significance. Review status: criteria provided, multiple submitters, no conflicts (2 of 4 stars). 2 submissions from 2 submitters: Uncertain significance (2). Last evaluated 2023-12-20.

Allele frequency attached by ClinVar (database versions not stated): gnomAD exomes below 0.00001 and 0.00001; ExAC 0.00001; TOPMed 0.00001.
gnomAD v4.1: 8 of 1,614,012 alleles (0.0005%); highest among the groups gnomAD compares: African/African-American, 0.0013%; no homozygotes.

Submissions (2):

Ambry Genetics
Classification: Uncertain significance. Last evaluated: 2023-12-20. Review status: criteria provided, single submitter. Criteria: Ambry Variant Classification Scheme 2023. Collection method: clinical testing. Allele origin: germline.

Labcorp Genetics (formerly Invitae), Labcorp
Classification: Uncertain significance. Last evaluated: 2023-06-17. Review status: criteria provided, single submitter. Criteria: Invitae Variant Classification Sherloc (09022015). Collection method: clinical testing. Allele origin: germline.
Comment: This sequence change replaces asparagine, which is neutral and polar, with serine, which is neutral and polar, at codon 3836 of the HMCN1 protein (p.Asn3836Ser). In summary, the available evidence is currently insufficient to determine the role of this variant in disease. Therefore, it has been classified as a Variant of Uncertain Significance. Algorithms developed to predict the effect of missense changes on protein structure and function output the following: SIFT: "Not Available"; PolyPhen-2: "Benign"; Align-GVGD: "Not Available". The serine amino acid residue is found in multiple mammalian species, which suggests that this missense change does not adversely affect protein function. ClinVar contains an entry for this variant (Variation ID: 1473851). This variant has not been reported in the literature in individuals affected with HMCN1-related conditions. This variant is present in population databases (rs767569555, gnomAD 0.0009%).